The following is an entry in ClinVar:

NM_001253697.2(ERBIN):c.1176A>T (p.Gln392His)

Gene: ERBIN (erbb2 interacting protein; plus strand). Cytogenetic location: 5q12.3.
Variant type: single nucleotide variant.
Coding change: c.1176A>T on transcript NM_001253697.2 (MANE Select); coding-DNA position 1176, A replaced by T.
Protein change: p.Gln392His; replaces glutamine 392 with histidine.
Molecular consequence: missense variant.
Genome position (GRCh38, 1-based): chr5:66,028,313, A>T. VCF-style: chr5-66028313-A-T. GRCh37 (hg19) VCF-style: chr5-65324141-A-T.
Other names: c.1176A>T, p.Gln392His (NM_001006600.3, NM_001253698.2, NM_001253699.2 and 2 more transcripts); short protein forms Q392H.
Identifiers: ClinVar variation 3677496 (VCV003677496.2).

ClinVar aggregate classification (germline): Uncertain significance (1 of 4 stars; one submission).

Submission:

Labcorp Genetics (formerly Invitae), Labcorp
Classification: Uncertain significance. Last evaluated: 2024-05-15. Review status: criteria provided, single submitter. Criteria: Invitae Variant Classification Sherloc (09022015). Collection method: clinical testing. Allele origin: germline.
Comment: This sequence change replaces glutamine, which is neutral and polar, with histidine, which is basic and polar, at codon 392 of the ERBIN protein (p.Gln392His). This variant is not present in population databases (gnomAD no frequency). This variant has not been reported in the literature in individuals affected with ERBIN-related conditions. An algorithm developed to predict the effect of missense changes on protein structure and function (PolyPhen-2) suggests that this variant is likely to be tolerated. In summary, the available evidence is currently insufficient to determine the role of this variant in disease. Therefore, it has been classified as a Variant of Uncertain Significance.